The following is an entry in ClinVar:

NM_006393.3(NEBL):c.656C>A (p.Ala219Asp)

Gene: NEBL (nebulette; minus strand). Cytogenetic location: 10p12.31.
Variant type: single nucleotide variant.
Coding change: c.656C>A on transcript NM_006393.3 (MANE Select); coding-DNA position 656, C replaced by A.
Protein change: p.Ala219Asp; replaces alanine 219 with aspartic acid.
Molecular consequence: missense variant. On other transcripts: intron variant (9).
Genome position (GRCh38, 1-based): chr10:20,868,692, G>T on the plus strand (C>A on the coding strand, the complement: NEBL is on the minus strand). VCF-style: chr10-20868692-G-T. GRCh37 (hg19) VCF-style: chr10-21157621-G-T.
Other names: p.A219D:GCC>GAC; c.250-55752C>A (NM_001377326.1, NM_001377327.1, NM_001377328.1); c.358-55752C>A (NM_213569.2, NM_001173484.2, NM_001377322.1); c.301-55752C>A (NM_001377324.1); c.292-55752C>A (NM_001377325.1); c.310-55752C>A (NM_001377323.1); short protein forms A219D.
Identifiers: ClinVar variation 45500 (VCV000045500.20), dbSNP rs2296610, ClinGen allele CA136453.

ClinVar aggregate classification (germline): Benign/Likely benign. Review status: criteria provided, multiple submitters, no conflicts (2 of 4 stars). 7 submissions from 7 submitters: Benign (5); Likely benign (1). 1 of the submissions does not count toward it. Last evaluated 2026-02-03.

Conditions:
NEBL-related disorder. Also called: NEBL-related condition.
Cardiovascular phenotype. Identifiers: MedGen CN230736.
Primary dilated cardiomyopathy (DCM). Also called: Dilated Cardiomyopathy. Identifiers: Orphanet 217604, MedGen C0007193, MeSH D002311, MONDO:0005021, HP:0001644. Inheritance: Various modes of inheritance.

Allele frequency attached by ClinVar (database versions not stated): ESP Exome Variant Server 0.00100; gnomAD exomes 0.00721 and 0.01986; TOPMed 0.01051; gnomAD 0.01104 and 0.01272; ExAC 0.01791; 1000 Genomes Project 30x 0.03685; 1000 Genomes Project 0.04273.
gnomAD v4.1: 12,686 of 1,611,660 alleles (0.79%); highest among the groups gnomAD compares: East Asian, 14%; 673 homozygotes.

Submissions (7):

Labcorp Genetics (formerly Invitae), Labcorp
Classification: Benign for Primary dilated cardiomyopathy. Last evaluated: 2026-02-03. Review status: criteria provided, single submitter. Criteria: Invitae Variant Classification Sherloc (09022015). Collection method: clinical testing. Allele origin: germline.

Women's Health and Genetics/Laboratory Corporation of America, LabCorp
Classification: Likely benign. Last evaluated: 2023-04-10. Review status: criteria provided, single submitter. Criteria: LabCorp Variant Classification Summary - May 2015. Collection method: clinical testing. Allele origin: germline.

GeneDx
Classification: Benign. Last evaluated: 2014-01-17. Review status: criteria provided, single submitter. Criteria: GeneDx Variant Classification (06012015). Collection method: clinical testing. Allele origin: germline. Affected: yes.
Comment: This variant is considered likely benign or benign based on one or more of the following criteria: it is a conservative change, it occurs at a poorly conserved position in the protein, it is predicted to be benign by multiple in silico algorithms, and/or has population frequency not consistent with disease.

Ambry Genetics
Classification: Benign for Cardiovascular phenotype. Last evaluated: 2013-04-02. Review status: criteria provided, single submitter. Criteria: Ambry Autosomal Dominant and X-Linked criteria (10/2015). Collection method: clinical testing. Allele origin: germline. Observed: 1 variant allele.
Comment: General population or subpopulation frequency is too high to be a pathogenic mutation based on disease/syndrome prevalence and penetrance

Laboratory for Molecular Medicine, Mass General Brigham Personalized Medicine
Classification: Benign. Last evaluated: 2012-03-19. Review status: criteria provided, single submitter. Criteria: LMM Criteria. Collection method: clinical testing. Allele origin: germline. Observed: 19 variant alleles.
Comment: p.Ala219Asp in Exon 07 of NEBL: This variant is not expected to have clinical si gnificance because it has been identified in 20.7% (17/82) of chromosomes from a population in the dbSNP database (rs2 296610).

Breakthrough Genomics
Classification: Benign. Review status: criteria provided, single submitter. Criteria: ACMG Guidelines, 2015. Collection method: not provided. Allele origin: germline. Inheritance: Unknown mechanism. Affected: yes.

PreventionGenetics, part of Exact Sciences
Classification: Benign for NEBL-related condition. Last evaluated: 2019-10-18. Review status: no assertion criteria provided. Collection method: clinical testing. Allele origin: germline. Not counted in ClinVar's aggregate classification.
Comment: This variant is classified as benign based on ACMG/AMP sequence variant interpretation guidelines (Richards et al. 2015 PMID: 25741868, with internal and published modifications).